The following is an entry in ClinVar:

ClinVar aggregate classification (germline): Uncertain significance (1 of 4 stars; one submission).

Conditions:
Primary ciliary dyskinesia. Also called: Ciliary dyskinesia. Identifiers: Orphanet 244, MedGen C0008780, MONDO:0016575, HP:0012265.

Submission:

Labcorp Genetics (formerly Invitae), Labcorp
Classification: Uncertain significance for Primary ciliary dyskinesia. Last evaluated: 2022-12-19. Review status: criteria provided, single submitter. Criteria: Invitae Variant Classification Sherloc (09022015). Collection method: clinical testing. Allele origin: germline.
Comment: This sequence change replaces glutamic acid, which is acidic and polar, with lysine, which is basic and polar, at codon 935 of the RPGR (ORF15) protein (p.Glu935Lys). In summary, the available evidence is currently insufficient to determine the role of this variant in disease. Therefore, it has been classified as a Variant of Uncertain Significance. Advanced modeling of protein sequence and biophysical properties (such as structural, functional, and spatial information, amino acid conservation, physicochemical variation, residue mobility, and thermodynamic stability) performed at Invitae indicates that this missense variant is not expected to disrupt RPGR (ORF15) protein function. This variant has not been reported in the literature in individuals affected with RPGR (ORF15)-related conditions. The frequency data for this variant in the population databases is considered unreliable, as metrics indicate insufficient coverage at this position in the gnomAD database.

NM_001034853.2(RPGR):c.2803G>A (p.Glu935Lys)

Gene: RPGR (retinitis pigmentosa GTPase regulator; minus strand). Cytogenetic location: Xp11.4.
Variant type: single nucleotide variant.
Coding change: c.2803G>A on transcript NM_001034853.2 (MANE Select); coding-DNA position 2803, G replaced by A.
Protein change: p.Glu935Lys; replaces glutamic acid 935 with lysine.
Molecular consequence: missense variant. On other transcripts: intron variant (8).
Genome position (GRCh38, 1-based): chrX:38,286,196, C>T on the plus strand (G>A on the coding strand, the complement: RPGR is on the minus strand). VCF-style: chrX-38286196-C-T. GRCh37 (hg19) VCF-style: chrX-38145449-C-T.
Other names: c.1905+898G>A (NM_000328.3); c.1602+4763G>A (NM_001367248.1); c.1569+4763G>A (NM_001367249.1, NM_001367250.1); c.1902+898G>A (NM_001367245.1); c.1386+4763G>A (NM_001367251.1); c.1719+898G>A (NM_001367246.1); c.1572+4763G>A (NM_001367247.1); short protein forms E935K.
Identifiers: ClinVar variation 2918839 (VCV002918839.3), dbSNP rs2519786858, ClinGen allele CA412729743.